The following is an entry in ClinVar:

ClinVar aggregate classification (germline): Likely pathogenic (1 of 4 stars; one submission).

Submission:

GeneDx
Classification: Likely pathogenic. Last evaluated: 2023-10-11. Review status: criteria provided, single submitter. Criteria: GeneDx Variant Classification Process June 2021. Collection method: clinical testing. Allele origin: germline. Affected: yes.
Comment: Frameshift variant predicted to result in abnormal protein length as the last 76 amino acids are replaced with 38 different amino acids, and other similar variants have been reported in HGMD; Not observed at significant frequency in large population cohorts (gnomAD); Has not been previously published as pathogenic or benign to our knowledge

NM_004247.4(EFTUD2):c.2688_2689dup (p.Ser897fs)

Gene: EFTUD2 (elongation factor Tu GTP binding domain containing 2; minus strand). Cytogenetic location: 17q21.31.
Variant type: Duplication.
Coding change: c.2688_2689dup on transcript NM_004247.4 (MANE Select); coding-DNA positions 2688 to 2689, 2 bases duplicated (TT; older notation c.2688_2689dupTT).
Protein change: p.Ser897fs; shifts the reading frame from serine 897.
Molecular consequence: frameshift variant.
Genome position (GRCh38, 1-based): chr17:44,852,435-44,852,436, AA duplicated on the plus strand (TT on the coding strand, the reverse complement: EFTUD2 is on the minus strand); duplicating any 2 consecutive bases within chr17:44,852,435-44,852,438 gives the same sequence; the c. name uses the placement nearest the transcript's 3' end. VCF-style (leftmost placement, unchanged base first): chr17-44852434-G-GAA. GRCh37 (hg19) VCF-style: chr17-42929802-G-GAA.
Other names: c.2583_2584dup, p.Ser862fs (NM_001142605.2); c.2688_2689dup, p.Ser897fs (NM_001258353.2); c.2658_2659dup, p.Ser887fs (NM_001258354.2); short protein forms S862fs, S887fs, S897fs.
Identifiers: ClinVar variation 3365998 (VCV003365998.1).